The following is an entry in ClinVar:

ClinVar aggregate classification (germline): Uncertain significance (1 of 4 stars; one submission).

gnomAD v4.1: 1 of 1,589,998 alleles (0.000063%); highest among the groups gnomAD compares: Middle Eastern, 0.017%; no homozygotes.

Submission:

Labcorp Genetics (formerly Invitae), Labcorp
Classification: Uncertain significance. Last evaluated: 2023-05-17. Review status: criteria provided, single submitter. Criteria: Invitae Variant Classification Sherloc (09022015). Collection method: clinical testing. Allele origin: germline.
Comment: In summary, the available evidence is currently insufficient to determine the role of this variant in disease. Therefore, it has been classified as a Variant of Uncertain Significance. An algorithm developed to predict the effect of missense changes on protein structure and function (PolyPhen-2) suggests that this variant is likely to be disruptive. This variant has not been reported in the literature in individuals affected with ANKRD26-related conditions. This variant is present in population databases (no rsID available, gnomAD no frequency). This sequence change replaces threonine, which is neutral and polar, with lysine, which is basic and polar, at codon 930 of the ANKRD26 protein (p.Thr930Lys).

NM_014915.3(ANKRD26):c.2789C>A (p.Thr930Lys)

Gene: ANKRD26 (ankyrin repeat domain 26; minus strand). Cytogenetic location: 10p12.1.
Variant type: single nucleotide variant.
Coding change: c.2789C>A on transcript NM_014915.3 (MANE Select); coding-DNA position 2789, C replaced by A.
Protein change: p.Thr930Lys; replaces threonine 930 with lysine.
Molecular consequence: missense variant.
Genome position (GRCh38, 1-based): chr10:27,035,661, G>T on the plus strand (C>A on the coding strand, the complement: ANKRD26 is on the minus strand). VCF-style: chr10-27035661-G-T. GRCh37 (hg19) VCF-style: chr10-27324590-G-T.
Other names: c.2786C>A, p.Thr929Lys (NM_001256053.2); short protein forms T930K, T929K.
Identifiers: ClinVar variation 3017424 (VCV003017424.3), dbSNP rs1225701784, ClinGen allele CA376365394.